The following is an entry in ClinVar:

NM_016203.4(PRKAG2):c.1327dup (p.Thr443fs)

Gene: PRKAG2 (protein kinase AMP-activated non-catalytic subunit gamma 2; minus strand). Cytogenetic location: 7q36.1.
Variant type: Duplication.
Coding change: c.1327dup on transcript NM_016203.4 (MANE Select); coding-DNA position 1327, one base duplicated (A; older notation c.1327dupA).
Protein change: p.Thr443fs; shifts the reading frame from threonine 443.
Molecular consequence: frameshift variant.
Genome position (GRCh38, 1-based): chr7:151,565,792, T duplicated on the plus strand (A on the coding strand, the reverse complement: PRKAG2 is on the minus strand). VCF-style (leftmost placement, unchanged base first): chr7-151565791-G-GT. GRCh37 (hg19) VCF-style: chr7-151262877-G-GT.
Other names: c.1195dup, p.Thr399fs (NM_001040633.2, NM_001407024.1); c.952dup, p.Thr318fs (NM_001304527.2, NM_001407029.1); c.604dup, p.Thr202fs (NM_001304531.2, NM_001407034.1, NM_001407035.1 and 1 more transcripts); c.955dup, p.Thr319fs (NM_001363698.2, NM_001407028.1); c.1327dup, p.Thr443fs (NM_001407021.1); c.1324dup, p.Thr442fs (NM_001407022.1, NM_001407023.1); c.1192dup, p.Thr398fs (NM_001407026.1, NM_001407027.1); c.1039dup, p.Thr347fs (NM_001407030.1); and 6 more; short protein forms T201fs, T399fs, T222fs, T318fs, T442fs, T202fs, T319fs, T337fs.
Identifiers: ClinVar variation 4725611 (VCV004725611.1).

ClinVar aggregate classification (germline): Uncertain significance (1 of 4 stars; one submission).

Conditions:
Lethal congenital glycogen storage disease of heart. Also called: PHOSPHORYLASE KINASE DEFICIENCY OF HEART; GLYCOGEN STORAGE DISEASE OF HEART. Identifiers: Orphanet 439854, MedGen C1849813, MONDO:0009867, OMIM 261740.

Submission:

Labcorp Genetics (formerly Invitae), Labcorp
Classification: Uncertain significance for Lethal congenital glycogen storage disease of heart. Last evaluated: 2025-08-18. Review status: criteria provided, single submitter. Criteria: Invitae Variant Classification Sherloc (09022015). Collection method: clinical testing. Allele origin: germline.
Comment: This sequence change creates a premature translational stop signal (p.Thr443Asnfs*23) in the PRKAG2 gene. It is expected to result in an absent or disrupted protein product. However, the current clinical and genetic evidence is not sufficient to establish whether loss-of-function variants in PRKAG2 cause disease. This variant is not present in population databases (gnomAD no frequency). This variant has not been reported in the literature in individuals affected with PRKAG2-related conditions. In summary, the available evidence is currently insufficient to determine the role of this variant in disease. Therefore, it has been classified as a Variant of Uncertain Significance.